The following is an entry in ClinVar:

ClinVar aggregate classification (germline): Uncertain significance. Review status: criteria provided, multiple submitters, no conflicts (2 of 4 stars). 2 submissions from 2 submitters: Uncertain significance (2). Last evaluated 2024-09-23.

Conditions:
Tuberous sclerosis syndrome (TSC). Also called: Tuberous sclerosis; Tuberous Sclerosis Complex. Identifiers: Orphanet 805, MedGen C0041341, MONDO:0001734.
Tuberous sclerosis 2 (TSC2). Identifiers: Orphanet 805, MedGen C1860707, MONDO:0013199, OMIM 613254.

Submissions (2):

All of Us Research Program, National Institutes of Health
Classification: Uncertain significance for Tuberous sclerosis syndrome. Last evaluated: 2024-09-23. Review status: criteria provided, single submitter. Criteria: ACMG Guidelines, 2015. Collection method: clinical testing. Allele origin: germline. Inheritance: Autosomal dominant inheritance. Observed: 1 variant allele, 1 heterozygote.
Comment: This study involves interpretation of variants in research participants for the purpose of population health screening. Participant phenotype was not available at the time of variant classification. Additional details can be found in publication PMID: 35346344, PMCID: PMC8962531

Labcorp Genetics (formerly Invitae), Labcorp
Classification: Uncertain significance for Tuberous sclerosis 2. Last evaluated: 2023-04-12. Review status: criteria provided, single submitter. Criteria: Invitae Variant Classification Sherloc (09022015). Collection method: clinical testing. Allele origin: germline.
Comment: In summary, the available evidence is currently insufficient to determine the role of this variant in disease. Therefore, it has been classified as a Variant of Uncertain Significance. Advanced modeling of protein sequence and biophysical properties (such as structural, functional, and spatial information, amino acid conservation, physicochemical variation, residue mobility, and thermodynamic stability) performed at Invitae indicates that this missense variant is not expected to disrupt TSC2 protein function. This variant has not been reported in the literature in individuals affected with TSC2-related conditions. This variant is not present in population databases (gnomAD no frequency). This sequence change replaces asparagine, which is neutral and polar, with isoleucine, which is neutral and non-polar, at codon 1496 of the TSC2 protein (p.Asn1496Ile).

NM_000548.5(TSC2):c.4487A>T (p.Asn1496Ile)

Gene: TSC2 (TSC complex subunit 2; plus strand). Cytogenetic location: 16p13.3.
Variant type: single nucleotide variant.
Coding change: c.4487A>T on transcript NM_000548.5 (MANE Select); coding-DNA position 4487, A replaced by T.
Protein change: p.Asn1496Ile; replaces asparagine 1496 with isoleucine.
Molecular consequence: missense variant. On other transcripts: non-coding transcript variant (5).
Genome position (GRCh38, 1-based): chr16:2,084,709, A>T. VCF-style: chr16-2084709-A-T. GRCh37 (hg19) VCF-style: chr16-2134710-A-T.
Other names: c.2942A>T, p.Asn981Ile (NM_001406696.1, NM_001406697.1, NM_001406695.1); c.2684A>T, p.Asn895Ile (NM_001406698.1); c.4358A>T, p.Asn1453Ile (NM_021055.3, NM_001370405.1); c.2945A>T, p.Asn982Ile (NM_001406694.1, NM_001406692.1, NM_001406693.1); c.4286A>T, p.Asn1429Ile (NM_001077183.3); c.4418A>T, p.Asn1473Ile (NM_001114382.3); c.4379A>T, p.Asn1460Ile (NM_001406667.1); c.4376A>T, p.Asn1459Ile (NM_001406668.1); and 26 more; short protein forms N1230I, N1252I, N1272I, N1273I, N1276I, N1381I, N1425I, N1436I.
Identifiers: ClinVar variation 2855422 (VCV002855422.4), dbSNP rs2151538221, ClinGen allele CA394302601.